The following is an entry in ClinVar:

ClinVar aggregate classification (germline): Conflicting classifications of pathogenicity. Review status: criteria provided, conflicting classifications (1 of 4 stars). 3 submissions from 3 submitters: Uncertain significance (2); Likely benign (1). Last evaluated 2026-05-01.

Allele frequency attached by ClinVar (database versions not stated): gnomAD exomes below 0.00001; gnomAD 0.00001; TOPMed 0.00003.
gnomAD v4.1: 3 of 1,163,324 alleles (0.00026%); highest among the groups gnomAD compares: Non-Finnish European, 0.00035%; no homozygotes.

Submissions (3):

CeGaT Center for Human Genetics Tuebingen
Classification: Likely benign. Last evaluated: 2026-05-01. Review status: criteria provided, single submitter. Criteria: CeGaT Center For Human Genetics Tuebingen Variant Classification Criteria Version 2. Collection method: clinical testing. Allele origin: germline. Affected: yes. Observed: 1 variant allele.
Comment: HUWE1: PP2, BS2

Labcorp Genetics (formerly Invitae), Labcorp
Classification: Uncertain significance. Last evaluated: 2025-04-19. Review status: criteria provided, single submitter. Criteria: Invitae Variant Classification Sherloc (09022015). Collection method: clinical testing. Allele origin: germline.
Comment: This sequence change replaces glycine, which is neutral and non-polar, with arginine, which is basic and polar, at codon 987 of the HUWE1 protein (p.Gly987Arg). This variant is not present in population databases (gnomAD no frequency). This variant has not been reported in the literature in individuals affected with HUWE1-related conditions. ClinVar contains an entry for this variant (Variation ID: 1310766). Invitae Evidence Modeling of protein sequence and biophysical properties (such as structural, functional, and spatial information, amino acid conservation, physicochemical variation, residue mobility, and thermodynamic stability) indicates that this missense variant is not expected to disrupt HUWE1 protein function with a negative predictive value of 95%. In summary, the available evidence is currently insufficient to determine the role of this variant in disease. Therefore, it has been classified as a Variant of Uncertain Significance.

GeneDx
Classification: Uncertain significance. Last evaluated: 2024-03-28. Review status: criteria provided, single submitter. Criteria: GeneDx Variant Classification Process June 2021. Collection method: clinical testing. Allele origin: germline. Affected: yes.
Comment: Not observed at significant frequency in large population cohorts (gnomAD); In silico analysis supports that this missense variant does not alter protein structure/function; Has not been previously published as pathogenic or benign to our knowledge

NM_031407.7(HUWE1):c.2959G>A (p.Gly987Arg)

Gene: HUWE1 (HECT, UBA and WWE domain containing E3 ubiquitin protein ligase 1; minus strand). Cytogenetic location: Xp11.22.
Variant type: single nucleotide variant.
Coding change: c.2959G>A on transcript NM_031407.7 (MANE Select); coding-DNA position 2959, G replaced by A.
Protein change: p.Gly987Arg; replaces glycine 987 with arginine.
Molecular consequence: missense variant.
Genome position (GRCh38, 1-based): chrX:53,602,576, C>T on the plus strand (G>A on the coding strand, the complement: HUWE1 is on the minus strand). VCF-style: chrX-53602576-C-T. GRCh37 (hg19) VCF-style: chrX-53629537-C-T.
Other names: short protein forms G987R.
Identifiers: ClinVar variation 1310766 (VCV001310766.6), dbSNP rs1179696036, ClinGen allele CA413180198.